The following is an entry in ClinVar:

ClinVar aggregate classification (germline): Likely pathogenic. Review status: criteria provided, single submitter (1 of 4 stars). 2 submissions from 2 submitters: Likely pathogenic (1). 1 of the submissions does not count toward it. Last evaluated 2023-10-10.

Conditions:
Epidermolysis bullosa simplex 1C, localized. Also called: Weber-Cockayne Syndrome; Localized epidermolysis bullosa simplex; EBS, ACRAL FORM; EPIDERMOLYSIS BULLOSA OF HANDS AND FEET; Epidermolysis Bullosa Simplex, Weber-Cockayne Type. Identifiers: Orphanet 79400, MedGen C0080333, MONDO:0007551, OMIM 131800.

Submissions (2):

MVZ Medizinische Genetik Mainz
Classification: Likely pathogenic for Epidermolysis bullosa simplex 1C, localized. Last evaluated: 2023-10-10. Review status: criteria provided, single submitter. Criteria: UK Practice Guidelines For Variant Classification V4 01 2020. Collection method: clinical testing. Allele origin: germline. Inheritance: Autosomal dominant inheritance. Observed: 1 variant allele.
Comment: ACMG Criteria: PM1,PP3_MOD,PS4_SUP,PM2_SUP

Epithelial Biology;  Institute of Medical Biology, Singapore
No classification provided. Review status: no classification provided. Collection method: not provided. Allele origin: not provided. Not counted in ClinVar's aggregate classification.

NM_000526.5(KRT14):c.419A>G (p.Asn140Ser)

Gene: KRT14 (keratin 14; minus strand). Cytogenetic location: 17q21.2.
Variant type: single nucleotide variant.
Coding change: c.419A>G on transcript NM_000526.5 (MANE Select); coding-DNA position 419, A replaced by G.
Protein change: p.Asn140Ser; replaces asparagine 140 with serine.
Molecular consequence: missense variant.
Genome position (GRCh38, 1-based): chr17:41,586,416, T>C on the plus strand (A>G on the coding strand, the complement: KRT14 is on the minus strand). VCF-style: chr17-41586416-T-C. GRCh37 (hg19) VCF-style: chr17-39742668-T-C.
Other names: short protein forms N140S.
Identifiers: ClinVar variation 66365 (VCV000066365.2), dbSNP rs267607397, ClinGen allele CA216954.
Genomic context (GRCh38, chr17:41,586,416, plus strand): 5'-TTGATCTCAGCAGGCCGCTGCCTCTGGTACCAGTCACGGATCTTCACTTCCAGGTCGGCG[T>C]TGGCCTCCTCCAGAGCACGCACCTTGTCCAGGTAGGAGGCCAGGCGGTCATTGAGGTTCT-3'
Protein context (NP_000517.3, residues 130-150): LDKVRALEEA[Asn140Ser]ADLEVKIRDW